The following is an entry in ClinVar:

NM_000093.5(COL5A1):c.3231A>G (p.Glu1077=)

Gene: COL5A1 (collagen type V alpha 1 chain; plus strand). Cytogenetic location: 9q34.3.
Variant type: single nucleotide variant.
Coding change: c.3231A>G on transcript NM_000093.5 (MANE Select); coding-DNA position 3231, A replaced by G.
Protein change: p.Glu1077=; no amino-acid change (glutamic acid 1077 retained).
Molecular consequence: synonymous variant.
Genome position (GRCh38, 1-based): chr9:134,805,187, A>G. VCF-style: chr9-134805187-A-G. GRCh37 (hg19) VCF-style: chr9-137697033-A-G.
Other names: c.3231A>G, p.Glu1077= (NM_001278074.1).
Identifiers: ClinVar variation 365719 (VCV000365719.59), dbSNP rs376248130, ClinGen allele CA5319808.

ClinVar aggregate classification (germline): Conflicting classifications of pathogenicity. Review status: criteria provided, conflicting classifications (1 of 4 stars). 7 submissions from 7 submitters: Uncertain significance (1); Benign (2); Likely benign (4). Last evaluated 2026-02-01.

Conditions:
Ehlers-Danlos syndrome, classic type, 1 (EDSCL1). Also called: EDS I; Ehlers-Danlos Syndrome, Classic Type, COL5A1-Related; Ehlers-Danlos syndrome, type 1; EHLERS-DANLOS SYNDROME, GRAVIS TYPE; EHLERS-DANLOS SYNDROME, SEVERE CLASSIC TYPE. Identifiers: MedGen C0268335, MONDO:0019567, OMIM 130000.
Ehlers-Danlos syndrome (EDS). Identifiers: Orphanet 98249, MedGen C0013720, MONDO:0020066.
Familial thoracic aortic aneurysm and aortic dissection (TAAD). Also called: Thoracic aortic aneurysms and dissections. Identifiers: Orphanet 91387, MedGen C4707243, MONDO:0019625.

Allele frequency attached by ClinVar (database versions not stated): ExAC 0.00004; gnomAD 0.00005 and 0.00006; gnomAD exomes 0.00006 and 0.00015; TOPMed 0.00009; ESP Exome Variant Server 0.00015.
gnomAD v4.1: 234 of 1,613,864 alleles (0.014%); highest among the groups gnomAD compares: Non-Finnish European, 0.018%; no homozygotes.

Submissions (7):

Labcorp Genetics (formerly Invitae), Labcorp
Classification: Likely benign for Ehlers-Danlos syndrome, classic type, 1. Last evaluated: 2026-02-01. Review status: criteria provided, single submitter. Criteria: Invitae Variant Classification Sherloc (09022015). Collection method: clinical testing. Allele origin: germline.

Blueprint Genetics
Classification: Likely benign. Last evaluated: 2024-07-08. Review status: criteria provided, single submitter. Criteria: ACMG Guidelines, 2015. Collection method: clinical testing. Allele origin: germline.

Women's Health and Genetics/Laboratory Corporation of America, LabCorp
Classification: Benign. Last evaluated: 2023-08-24. Review status: criteria provided, single submitter. Criteria: LabCorp Variant Classification Summary - May 2015. Collection method: clinical testing. Allele origin: germline.

CeGaT Center for Human Genetics Tuebingen
Classification: Likely benign. Last evaluated: 2020-10-01. Review status: criteria provided, single submitter. Criteria: CeGaT Center For Human Genetics Tuebingen Variant Classification Criteria Version 2. Collection method: clinical testing. Allele origin: germline. Affected: yes. Observed: 1 variant allele.

Genome Diagnostics Laboratory, The Hospital for Sick Children
Classification: Uncertain significance for Ehlers-Danlos syndrome. Last evaluated: 2020-06-01. Review status: criteria provided, single submitter. Criteria: ACMG Guidelines, 2015. Collection method: clinical testing. Allele origin: germline.

Ambry Genetics
Classification: Likely benign for Familial thoracic aortic aneurysm and aortic dissection. Last evaluated: 2016-06-24. Review status: criteria provided, single submitter. Criteria: Ambry Variant Classification Scheme 2023. Collection method: clinical testing. Allele origin: germline.

GeneDx
Classification: Benign. Last evaluated: 2016-04-18. Review status: criteria provided, single submitter. Criteria: GeneDx Variant Classification (06012015). Collection method: clinical testing. Allele origin: germline. Affected: yes.
Comment: This variant is considered likely benign or benign based on one or more of the following criteria: it is a conservative change, it occurs at a poorly conserved position in the protein, it is predicted to be benign by multiple in silico algorithms, and/or has population frequency not consistent with disease.